The following is an entry in ClinVar:

ClinVar aggregate classification (germline): Conflicting classifications of pathogenicity. Review status: criteria provided, conflicting classifications (1 of 4 stars). 6 submissions from 6 submitters: Uncertain significance (2); Benign (1); Likely benign (2). 1 of the submissions does not count toward it. Last evaluated 2026-01-24.

Conditions:
PRICKLE1-related disorder. Also called: PRICKLE1-Related Disorders; PRICKLE1-related condition. Identifiers: MedGen CN381536.
Epilepsy, progressive myoclonic, 1B. Also called: PME. Identifiers: Orphanet 308, MedGen C2676254, MONDO:0012904, OMIM 612437.

Allele frequency attached by ClinVar (database versions not stated): gnomAD exomes 0.00010 and 0.00021; ExAC 0.00030; ESP Exome Variant Server 0.00062; gnomAD 0.00075 and 0.00076; TOPMed 0.00078; 1000 Genomes Project 30x 0.00187; 1000 Genomes Project 0.00240.
gnomAD v4.1: 292 of 1,614,166 alleles (0.018%); highest among the groups gnomAD compares: African/African-American, 0.32%; 2 homozygotes.

Submissions (6):

Labcorp Genetics (formerly Invitae), Labcorp
Classification: Likely benign for Epilepsy, progressive myoclonic, 1B. Last evaluated: 2026-01-24. Review status: criteria provided, single submitter. Criteria: Invitae Variant Classification Sherloc (09022015). Collection method: clinical testing. Allele origin: germline.

Athena Diagnostics
Classification: Uncertain significance. Last evaluated: 2018-01-24. Review status: criteria provided, single submitter. Criteria: Athena Diagnostics Criteria. Collection method: clinical testing. Allele origin: germline.

Ambry Genetics
Classification: Likely benign. Last evaluated: 2017-09-08. Review status: criteria provided, single submitter. Criteria: Ambry Variant Classification Scheme 2023. Collection method: clinical testing. Allele origin: germline.

GeneDx
Classification: Benign. Last evaluated: 2014-02-04. Review status: criteria provided, single submitter. Criteria: GeneDx Variant Classification (06012015). Collection method: clinical testing. Allele origin: germline. Affected: yes.
Comment: This variant is considered likely benign or benign based on one or more of the following criteria: it is a conservative change, it occurs at a poorly conserved position in the protein, it is predicted to be benign by multiple in silico algorithms, and/or has population frequency not consistent with disease.

Genetic Services Laboratory, University of Chicago
Classification: Uncertain significance. Last evaluated: 2013-08-27. Review status: criteria provided, single submitter. Criteria: ACMG Guidelines, 2007. Collection method: clinical testing. Allele origin: germline. Inheritance: Autosomal recessive inheritance.

PreventionGenetics, part of Exact Sciences
Classification: Likely benign for PRICKLE1-related condition. Last evaluated: 2022-03-31. Review status: no assertion criteria provided. Collection method: clinical testing. Allele origin: germline. Not counted in ClinVar's aggregate classification.
Comment: This variant is classified as likely benign based on ACMG/AMP sequence variant interpretation guidelines (Richards et al. 2015 PMID: 25741868, with internal and published modifications).

NM_153026.3(PRICKLE1):c.2071A>G (p.Thr691Ala)

Gene: PRICKLE1 (prickle planar cell polarity protein 1; minus strand). Cytogenetic location: 12q12.
Variant type: single nucleotide variant.
Coding change: c.2071A>G on transcript NM_153026.3 (MANE Select); coding-DNA position 2071, A replaced by G.
Protein change: p.Thr691Ala; replaces threonine 691 with alanine.
Molecular consequence: missense variant.
Genome position (GRCh38, 1-based): chr12:42,460,234, T>C on the plus strand (A>G on the coding strand, the complement: PRICKLE1 is on the minus strand). VCF-style: chr12-42460234-T-C. GRCh37 (hg19) VCF-style: chr12-42854036-T-C.
Other names: p.T691A:ACA>GCA; c.2071A>G, p.Thr691Ala (NM_001144881.2, NM_001144882.2, NM_001144883.2); short protein forms T691A.
Identifiers: ClinVar variation 130025 (VCV000130025.21), dbSNP rs149496604, ClinGen allele CA231416.